The following is an entry in ClinVar:

ClinVar aggregate classification (germline): Uncertain significance (1 of 4 stars; one submission).

Allele frequency attached by ClinVar (database versions not stated): gnomAD exomes below 0.00001.
gnomAD v4.1: 1 of 1,611,092 alleles (0.000062%); highest among the groups gnomAD compares: African/African-American, 0.0013%; no homozygotes.

Submission:

GeneDx
Classification: Uncertain significance. Last evaluated: 2019-09-20. Review status: criteria provided, single submitter. Criteria: GeneDx Variant Classification Process June 2021. Collection method: clinical testing. Allele origin: germline. Affected: yes.
Comment: Has not been previously published as pathogenic or benign to our knowledge; Not observed in large population cohorts (Lek et al., 2016); In silico analysis, which includes protein predictors and evolutionary conservation, supports that this variant does not alter protein structure/function

NM_014363.6(SACS):c.5102A>T (p.Glu1701Val)

Gene: SACS (sacsin molecular chaperone; minus strand). Cytogenetic location: 13q12.12.
Variant type: single nucleotide variant.
Coding change: c.5102A>T on transcript NM_014363.6 (MANE Select); coding-DNA position 5102, A replaced by T.
Protein change: p.Glu1701Val; replaces glutamic acid 1701 with valine.
Molecular consequence: missense variant.
Genome position (GRCh38, 1-based): chr13:23,338,774, T>A on the plus strand (A>T on the coding strand, the complement: SACS is on the minus strand). VCF-style: chr13-23338774-T-A. GRCh37 (hg19) VCF-style: chr13-23912913-T-A.
Other names: c.4661A>T, p.Glu1554Val (NM_001278055.2); short protein forms E1554V, E1701V.
Identifiers: ClinVar variation 1312309 (VCV001312309.2), dbSNP rs1868909053, ClinGen allele CA387526568.
Genomic context (GRCh38, chr13:23,338,774, plus strand): 5'-GAAGAGCAGGATTTTTTTTTAATTATTACTGTATCTTGTGCTAAACTGGGGTTGGTTTCC[T>A]CAATTTTCAAGTACTTCAAATACATTGACTTTACACTCTGAGTGAAAATGATAAGCCTGT-3'
Protein context (NP_055178.3, residues 1691-1711): KSMYLKYLKI[Glu1701Val]ETNPSLAQDT